The following is an entry in ClinVar:

NM_000565.4(IL6R):c.641-47A>C

Gene: IL6R (interleukin 6 receptor; plus strand). Cytogenetic location: 1q21.3.
Variant type: single nucleotide variant.
Coding change: c.641-47A>C on transcript NM_000565.4 (MANE Select); 47 bases into the intron before coding-DNA position 641, A replaced by C.
Molecular consequence: intron variant.
Genome position (GRCh38, 1-based): chr1:154,434,943, A>C. VCF-style: chr1-154434943-A-C. GRCh37 (hg19) VCF-style: chr1-154407419-A-C.
Other names: c.641-47A>C (NM_001382771.1, NM_001382773.1, NM_001382770.1 and 4 more transcripts); c.281-47A>C (NM_001382774.1).
Identifiers: ClinVar variation 2688545 (VCV002688545.2), dbSNP rs7518199, ClinGen allele CA1129080.

ClinVar aggregate classification (germline): Benign (1 of 4 stars; one submission).

Allele frequency attached by ClinVar (database versions not stated): 1000 Genomes Project 30x 0.32620; 1000 Genomes Project 0.32748; ESP Exome Variant Server 0.34816; gnomAD 0.35032; TOPMed 0.36915.
gnomAD v4.1: 632,979 of 1,597,692 alleles (40%); highest among the groups gnomAD compares: Admixed American, 54%; 128,677 homozygotes.

Submission:

Unidad de Genómica Garrahan, Hospital de Pediatría Garrahan
Classification: Benign. Last evaluated: 2024-01-24. Review status: criteria provided, single submitter. Criteria: ACMG Guidelines, 2015. Collection method: clinical testing. Allele origin: germline. Affected: no. Observed: 72 variant alleles.
Comment: This variant is classified as Benign based on local population frequency. This variant was detected in 82% of patients studied by a panel of primary immunodeficiencies. Number of patients: 72. Only high quality variants are reported.